The following is an entry in ClinVar:

ClinVar aggregate classification (germline): Uncertain significance (1 of 4 stars; one submission).

Submission:

GeneDx
Classification: Uncertain significance. Last evaluated: 2024-11-25. Review status: criteria provided, single submitter. Criteria: GeneDx Variant Classification Process June 2021. Collection method: clinical testing. Allele origin: germline. Affected: yes.
Comment: Not observed at significant frequency in large population cohorts (gnomAD); In silico analysis supports that this missense variant has a deleterious effect on protein structure/function; Has not been previously published as pathogenic or benign to our knowledge

NM_002547.3(OPHN1):c.595C>T (p.Pro199Ser)

Gene: OPHN1 (oligophrenin 1; minus strand). Cytogenetic location: Xq12.
Variant type: single nucleotide variant.
Coding change: c.595C>T on transcript NM_002547.3 (MANE Select); coding-DNA position 595, C replaced by T.
Protein change: p.Pro199Ser; replaces proline 199 with serine.
Molecular consequence: missense variant.
Genome position (GRCh38, 1-based): chrX:68,213,864, G>A on the plus strand (C>T on the coding strand, the complement: OPHN1 is on the minus strand). VCF-style: chrX-68213864-G-A. GRCh37 (hg19) VCF-style: chrX-67433706-G-A.
Other names: short protein forms P199S.
Identifiers: ClinVar variation 3900839 (VCV003900839.1).